The following is an entry in ClinVar:

NM_000814.6(GABRB3):c.545A>G (p.Tyr182Cys)

Gene: GABRB3 (gamma-aminobutyric acid type A receptor subunit beta3; minus strand). Cytogenetic location: 15q12.
Variant type: single nucleotide variant.
Coding change: c.545A>G on transcript NM_000814.6 (MANE Select); coding-DNA position 545, A replaced by G.
Protein change: p.Tyr182Cys; replaces tyrosine 182 with cysteine.
Molecular consequence: missense variant.
Genome position (GRCh38, 1-based): chr15:26,580,456, T>C on the plus strand (A>G on the coding strand, the complement: GABRB3 is on the minus strand). VCF-style: chr15-26580456-T-C. GRCh37 (hg19) VCF-style: chr15-26825603-T-C.
Other names: c.290A>G, p.Tyr97Cys (NM_001191320.2, NM_001278631.2); c.332A>G, p.Tyr111Cys (NM_001191321.3); c.545A>G, p.Tyr182Cys (NM_021912.5); short protein forms Y182C, Y97C, Y111C.
Identifiers: ClinVar variation 663328 (VCV000663328.10), dbSNP rs886037939, ClinGen allele CA391464259.

ClinVar aggregate classification (germline): Uncertain significance (1 of 4 stars; one submission).

Conditions:
Epilepsy, childhood absence, susceptibility to, 1. Also called: Epilepsy, childhood absence 1. Identifiers: Orphanet 64280, MedGen C1838604, MONDO:0020759, OMIM 600131.
Epilepsy, childhood absence, susceptibility to, 5. Identifiers: Orphanet 64280, MedGen C2677087, MONDO:0012843, OMIM 612269.

Submission:

Labcorp Genetics (formerly Invitae), Labcorp
Classification: Uncertain significance for Epilepsy, childhood absence, susceptibility to, 5; Epilepsy, childhood absence, susceptibility to, 1. Last evaluated: 2019-07-09. Review status: criteria provided, single submitter. Criteria: Invitae Variant Classification Sherloc (09022015). Collection method: clinical testing. Allele origin: germline.
Comment: This sequence change replaces tyrosine with cysteine at codon 182 of the GABRB3 protein (p.Tyr182Cys). The tyrosine residue is highly conserved and there is a large physicochemical difference between tyrosine and cysteine. This variant has not been reported in the literature in individuals with GABRB3-related disease. This variant is not present in population databases (ExAC no frequency). In summary, the available evidence is currently insufficient to determine the role of this variant in disease. Therefore, it has been classified as a Variant of Uncertain Significance. This variant disrupts the p.Tyr182 amino acid residue in GABRB3. Other variant(s) that disrupt this residue have been observed in affected individuals (PMID: 27476654, 26704558), suggesting that it is a clinically significant residue. As a result, variants that disrupt this residue are likely to be causative of disease. Algorithms developed to predict the effect of sequence changes on RNA splicing suggest that this variant may create or strengthen a splice site, but this prediction has not been confirmed by published transcriptional studies. Algorithms developed to predict the effect of missense changes on protein structure and function are either unavailable or do not agree on the potential impact of this missense change (SIFT: "Deleterious"; PolyPhen-2: "Benign"; Align-GVGD: "Class C45").

Literature cited by the submitters: PubMed 27476654; PubMed 26704558.